The following is an entry in ClinVar:

ClinVar aggregate classification (germline): Uncertain significance (1 of 4 stars; one submission).

Conditions:
Renal carnitine transport defect (CDSP). Also called: Systemic primary carnitine deficiency disease; Primary carnitine deficiency; CARNITINE DEFICIENCY, SYSTEMIC, DUE TO DEFECT IN RENAL REABSORPTION OF CARNITINE; CARNITINE TRANSPORTER, PLASMA-MEMBRANE, DEFICIENCY OF; CARNITINE UPTAKE DEFECT; Carnitine Deficiency, Systemic. Identifiers: Orphanet 158, MedGen C0342788, MONDO:0008919, OMIM 212140.

Submission:

Labcorp Genetics (formerly Invitae), Labcorp
Classification: Uncertain significance for Renal carnitine transport defect. Last evaluated: 2021-12-03. Review status: criteria provided, single submitter. Criteria: Invitae Variant Classification Sherloc (09022015). Collection method: clinical testing. Allele origin: germline.
Comment: This variant is not present in population databases (gnomAD no frequency). This sequence change replaces isoleucine, which is neutral and non-polar, with methionine, which is neutral and non-polar, at codon 296 of the SLC22A5 protein (p.Ile296Met). This variant has not been reported in the literature in individuals affected with SLC22A5-related conditions. Advanced modeling of protein sequence and biophysical properties (such as structural, functional, and spatial information, amino acid conservation, physicochemical variation, residue mobility, and thermodynamic stability) performed at Invitae indicates that this missense variant is expected to disrupt SLC22A5 protein function. In summary, the available evidence is currently insufficient to determine the role of this variant in disease. Therefore, it has been classified as a Variant of Uncertain Significance.

NM_003060.4(SLC22A5):c.888C>G (p.Ile296Met)

Gene: SLC22A5 (solute carrier family 22 member 5; plus strand). Cytogenetic location: 5q31.1.
Variant type: single nucleotide variant.
Coding change: c.888C>G on transcript NM_003060.4 (MANE Select); coding-DNA position 888, C replaced by G.
Protein change: p.Ile296Met; replaces isoleucine 296 with methionine.
Molecular consequence: missense variant.
Genome position (GRCh38, 1-based): chr5:132,387,088, C>G. VCF-style: chr5-132387088-C-G. GRCh37 (hg19) VCF-style: chr5-131722780-C-G.
Other names: c.960C>G, p.Ile320Met (NM_001308122.2); short protein forms I320M, I296M.
Identifiers: ClinVar variation 1395725 (VCV001395725.6), dbSNP rs2126786080, ClinGen allele CA360805627.
Genomic context (GRCh38, chr5:132,387,088, plus strand): 5'-CATCCCTGAGTCCCCCCGATGGCTCATCTCTCAGGGACGATTTGAAGAGGCAGAGGTGAT[C>G]ATCCGCAAGGCTGCCAAAGCCAATGGGATTGTTGTGCCTTCCACTATCTTTGACCCGAGT-3'
Protein context (NP_003051.1, residues 286-306): SQGRFEEAEV[Ile296Met]IRKAAKANGI